The following is an entry in ClinVar:

NM_001035.3(RYR2):c.4306C>A (p.Gln1436Lys)

Gene: RYR2 (ryanodine receptor 2; plus strand). Cytogenetic location: 1q43.
Variant type: single nucleotide variant.
Coding change: c.4306C>A on transcript NM_001035.3 (MANE Select); coding-DNA position 4306, C replaced by A.
Protein change: p.Gln1436Lys; replaces glutamine 1436 with lysine.
Molecular consequence: missense variant.
Genome position (GRCh38, 1-based): chr1:237,593,506, C>A. VCF-style: chr1-237593506-C-A. GRCh37 (hg19) VCF-style: chr1-237756806-C-A.
Other names: short protein forms Q1436K.
Identifiers: ClinVar variation 3667521 (VCV003667521.3).

ClinVar aggregate classification (germline): Uncertain significance. Review status: criteria provided, multiple submitters, no conflicts (2 of 4 stars). 2 submissions from 2 submitters: Uncertain significance (2). Last evaluated 2025-06-11.

Conditions:
Catecholaminergic polymorphic ventricular tachycardia 1. Also called: VENTRICULAR TACHYCARDIA, CATECHOLAMINERGIC POLYMORPHIC, 1, WITH OR WITHOUT ATRIAL DYSFUNCTION AND/OR DILATED CARDIOMYOPATHY; VENTRICULAR TACHYCARDIA, STRESS-INDUCED POLYMORPHIC 1; RYR2-Related Catecholaminergic Polymorphic Ventricular Tachycardia. Identifiers: Orphanet 3286, MedGen C1631597, MONDO:0011484, OMIM 604772.

Submissions (2):

ARUP Laboratories, Molecular Genetics and Genomics, ARUP Laboratories
Classification: Uncertain significance. Last evaluated: 2025-06-11. Review status: criteria provided, single submitter. Criteria: ARUP Molecular Germline Variant Investigation Process 2024. Collection method: clinical testing. Allele origin: germline.
Comment: The RYR2 c.4306C>A; p.Gln1436Lys variant, to our knowledge, is not reported in the medical literature or gene specific databases. This variant is absent from the Genome Aggregation Database (v2.1.1), indicating it is not a common polymorphism. Computational analyses are uncertain whether this variant is neutral or deleterious (REVEL: 0.67). Due to limited information, the clinical significance of this variant is uncertain at this time.

Labcorp Genetics (formerly Invitae), Labcorp
Classification: Uncertain significance for Catecholaminergic polymorphic ventricular tachycardia 1. Last evaluated: 2024-04-13. Review status: criteria provided, single submitter. Criteria: Invitae Variant Classification Sherloc (09022015). Collection method: clinical testing. Allele origin: germline.
Comment: This sequence change replaces glutamine, which is neutral and polar, with lysine, which is basic and polar, at codon 1436 of the RYR2 protein (p.Gln1436Lys). This variant is not present in population databases (gnomAD no frequency). This variant has not been reported in the literature in individuals affected with RYR2-related conditions. Advanced modeling of protein sequence and biophysical properties (such as structural, functional, and spatial information, amino acid conservation, physicochemical variation, residue mobility, and thermodynamic stability) has been performed at Invitae for this missense variant, however the output from this modeling did not meet the statistical confidence thresholds required to predict the impact of this variant on RYR2 protein function. In summary, the available evidence is currently insufficient to determine the role of this variant in disease. Therefore, it has been classified as a Variant of Uncertain Significance.